The following is an entry in ClinVar:

NM_153717.3(EVC):c.1290_1291delinsAA (p.Trp430_Gln431delinsTer)

Gene: EVC (EvC ciliary complex subunit 1; plus strand). Cytogenetic location: 4p16.2.
Variant type: Indel.
Coding change: c.1290_1291delinsAA on transcript NM_153717.3 (MANE Select); coding-DNA positions 1290 to 1291, GC replaced by AA.
Protein change: p.Trp430_Gln431delinsTer.
Molecular consequence: nonsense.
Genome position (GRCh38, 1-based): chr4:5,753,027-5,753,028, GC replaced by AA. VCF-style: chr4-5753027-GC-AA. GRCh37 (hg19) VCF-style: chr4-5754754-GC-AA.
Other names: c.1290_1291delinsAA, p.Trp430_Gln431delinsTer (NM_001306090.2, NM_001306092.2).
Identifiers: ClinVar variation 1074895 (VCV001074895.8), dbSNP rs2152076745, ClinGen allele CA2499217317.

ClinVar aggregate classification (germline): Pathogenic (1 of 4 stars; one submission).

Conditions:
Curry-Hall syndrome (WAD). Also called: WEYERS ACRODENTAL DYSOSTOSIS. Identifiers: Orphanet 952, MedGen C0457013, MONDO:0008673, OMIM 193530.
Ellis-van Creveld syndrome (EVC). Also called: Chondroectodermal dysplasia; MESOECTODERMAL DYSPLASIA; EVC-Related Ellis-van Creveld Syndrome; EVC2-Related Ellis-van Creveld Syndrome. Identifiers: Orphanet 289, MedGen C0013903, MONDO:0009162, OMIM 225500.

Submission:

Labcorp Genetics (formerly Invitae), Labcorp
Classification: Pathogenic for Curry-Hall syndrome; Ellis-van Creveld syndrome. Last evaluated: 2020-09-10. Review status: criteria provided, single submitter. Criteria: Invitae Variant Classification Sherloc (09022015). Collection method: clinical testing. Allele origin: germline.
Comment: For these reasons, this variant has been classified as Pathogenic. Loss-of-function variants in EVC are known to be pathogenic (PMID: 23220543). This variant has not been reported in the literature in individuals with EVC-related conditions. The frequency data for this variant in the population databases is not available, as this variant may be reported as separate entries in the ExAC database. This sequence change creates a premature translational stop signal (p.Trp430*) in the EVC gene. It is expected to result in an absent or disrupted protein product.

Literature cited by the submitters: PubMed 23220543.